The following is an entry in ClinVar:

NM_001375834.1(WIPF1):c.1129+10G>A

Gene: WIPF1 (WAS/WASL interacting protein family member 1; minus strand). Cytogenetic location: 2q31.1.
Variant type: single nucleotide variant.
Coding change: c.1129+10G>A on transcript NM_001375834.1 (MANE Select); 10 bases into the intron after coding-DNA position 1129, G replaced by A.
Molecular consequence: intron variant. On other transcripts: missense variant (3).
Genome position (GRCh38, 1-based): chr2:174,571,666, C>T on the plus strand (G>A on the coding strand, the complement: WIPF1 is on the minus strand). VCF-style: chr2-174571666-C-T. GRCh37 (hg19) VCF-style: chr2-175436394-C-T.
Other names: c.1139G>A, p.Arg380Lys (NM_001375836.1, NM_001375837.1, NM_001375838.1); c.1129+10G>A (NM_001375835.1, NM_001077269.1, NM_003387.5 and 2 more transcripts); c.751+10G>A (NM_001375839.1); short protein forms R380K.
Identifiers: ClinVar variation 1098030 (VCV001098030.11), dbSNP rs887452483, ClinGen allele CA60842929.

ClinVar aggregate classification (germline): Likely benign. Review status: criteria provided, single submitter (1 of 4 stars). 2 submissions from 2 submitters: Likely benign (1). 1 of the submissions does not count toward it. Last evaluated 2025-12-11.

Conditions:
Wiskott-Aldrich syndrome 2 (WAS2). Also called: WIPF1 DEFICIENCY. Identifiers: Orphanet 906, MedGen C3281001, MONDO:0013779, OMIM 614493.
WIPF1-related disorder. Also called: WIPF1-related condition.

Allele frequency attached by ClinVar (database versions not stated): gnomAD exomes 0.00002 and 0.00004; TOPMed 0.00004; gnomAD 0.00008 and 0.00009.
gnomAD v4.1: 75 of 1,614,098 alleles (0.0046%); highest among the groups gnomAD compares: Non-Finnish European, 0.0063%; no homozygotes.

Submissions (2):

Labcorp Genetics (formerly Invitae), Labcorp
Classification: Likely benign for Wiskott-Aldrich syndrome 2. Last evaluated: 2025-12-11. Review status: criteria provided, single submitter. Criteria: Invitae Variant Classification Sherloc (09022015). Collection method: clinical testing. Allele origin: germline.

PreventionGenetics, part of Exact Sciences
Classification: Likely benign for WIPF1-related condition. Last evaluated: 2020-08-20. Review status: no assertion criteria provided. Collection method: clinical testing. Allele origin: germline. Not counted in ClinVar's aggregate classification.
Comment: This variant is classified as likely benign based on ACMG/AMP sequence variant interpretation guidelines (Richards et al. 2015 PMID: 25741868, with internal and published modifications).